The following is an entry in ClinVar:

NM_020988.3(GNAO1):c.172G>A (p.Glu58Lys)

Gene: GNAO1 (G protein subunit alpha o1; plus strand). Cytogenetic location: 16q13.
Variant type: single nucleotide variant.
Coding change: c.172G>A on transcript NM_020988.3 (MANE Select); coding-DNA position 172, G replaced by A.
Protein change: p.Glu58Lys; replaces glutamic acid 58 with lysine.
Molecular consequence: missense variant.
Genome position (GRCh38, 1-based): chr16:56,275,941, G>A. VCF-style: chr16-56275941-G-A. GRCh37 (hg19) VCF-style: chr16-56309853-G-A.
Other names: c.172G>A, p.Glu58Lys (NM_138736.3); short protein forms E58K.
Identifiers: ClinVar variation 3769662 (VCV003769662.1).
Genomic context (GRCh38, chr16:56,275,941, plus strand): 5'-TGATGAGGACAATGCTCTCATCAGGTGTGGTGTGTGTGGTTTTTCTCTAGGATCATCCAT[G>A]AAGATGGCTTCTCCGGAGAAGACGTGAAACAGTACAAGCCTGTTGTCTACAGCAACACTA-3'
Protein context (NP_066268.1, residues 48-68): TIVKQMKIIH[Glu58Lys]DGFSGEDVKQ

ClinVar aggregate classification (germline): Uncertain significance (1 of 4 stars; one submission).

Submission:

GeneDx
Classification: Uncertain significance. Last evaluated: 2024-09-13. Review status: criteria provided, single submitter. Criteria: GeneDx Variant Classification Process June 2021. Collection method: clinical testing. Allele origin: germline. Affected: yes.
Comment: Not observed at significant frequency in large population cohorts (gnomAD); In silico analysis supports that this missense variant has a deleterious effect on protein structure/function; Has not been previously published as pathogenic or benign to our knowledge